The following is an entry in ClinVar:

NM_024844.5(NUP85):c.1699C>T (p.Arg567Trp)

Gene: NUP85 (nucleoporin 85; plus strand). Cytogenetic location: 17q25.1.
Variant type: single nucleotide variant.
Coding change: c.1699C>T on transcript NM_024844.5 (MANE Select); coding-DNA position 1699, C replaced by T.
Protein change: p.Arg567Trp; replaces arginine 567 with tryptophan.
Molecular consequence: missense variant.
Genome position (GRCh38, 1-based): chr17:75,234,720, C>T. VCF-style: chr17-75234720-C-T. GRCh37 (hg19) VCF-style: chr17-73230815-C-T.
Other names: c.1561C>T, p.Arg521Trp (NM_001303276.2); c.1564C>T, p.Arg522Trp (NM_001330472.2); c.1699C>T (NM_024844.3); short protein forms R522W, R567W, R521W.
Identifiers: ClinVar variation 1369023 (VCV001369023.10), dbSNP rs202239179, ClinGen allele CA8758965.

ClinVar aggregate classification (germline): Uncertain significance. Review status: criteria provided, multiple submitters, no conflicts (2 of 4 stars). 2 submissions from 2 submitters: Uncertain significance (2). Last evaluated 2025-11-03.

Allele frequency attached by ClinVar (database versions not stated): ExAC 0.00007; gnomAD exomes 0.00008 and 0.00017; TOPMed 0.00009; gnomAD 0.00011; ESP Exome Variant Server 0.00015.
gnomAD v4.1: 261 of 1,614,062 alleles (0.016%); highest among the groups gnomAD compares: Non-Finnish European, 0.021%; no homozygotes.

Submissions (2):

Ambry Genetics
Classification: Uncertain significance. Last evaluated: 2025-11-03. Review status: criteria provided, single submitter. Criteria: Ambry Variant Classification Scheme 2023. Collection method: clinical testing. Allele origin: germline.

Labcorp Genetics (formerly Invitae), Labcorp
Classification: Uncertain significance. Last evaluated: 2023-06-29. Review status: criteria provided, single submitter. Criteria: Invitae Variant Classification Sherloc (09022015). Collection method: clinical testing. Allele origin: germline.
Comment: This sequence change replaces arginine, which is basic and polar, with tryptophan, which is neutral and slightly polar, at codon 567 of the NUP85 protein (p.Arg567Trp). This variant is present in population databases (rs202239179, gnomAD 0.02%). This variant has not been reported in the literature in individuals affected with NUP85-related conditions. ClinVar contains an entry for this variant (Variation ID: 1369023). An algorithm developed to predict the effect of missense changes on protein structure and function (PolyPhen-2) suggests that this variant is likely to be disruptive. In summary, the available evidence is currently insufficient to determine the role of this variant in disease. Therefore, it has been classified as a Variant of Uncertain Significance.